The following is an entry in ClinVar:

NM_170606.3(KMT2C):c.5523A>G (p.Thr1841=)

Gene: KMT2C (lysine methyltransferase 2C; minus strand). Cytogenetic location: 7q36.1.
Variant type: single nucleotide variant.
Coding change: c.5523A>G on transcript NM_170606.3 (MANE Select); coding-DNA position 5523, A replaced by G.
Protein change: p.Thr1841=; no amino-acid change (threonine 1841 retained).
Molecular consequence: synonymous variant.
Genome position (GRCh38, 1-based): chr7:152,182,337, T>C on the plus strand (A>G on the coding strand, the complement: KMT2C is on the minus strand). VCF-style: chr7-152182337-T-C. GRCh37 (hg19) VCF-style: chr7-151879422-T-C.
Identifiers: ClinVar variation 2658220 (VCV002658220.24), dbSNP rs2487800428, ClinGen allele CA458888032.

ClinVar aggregate classification (germline): Likely benign (1 of 4 stars; one submission).

Submission:

CeGaT Center for Human Genetics Tuebingen
Classification: Likely benign. Last evaluated: 2023-03-01. Review status: criteria provided, single submitter. Criteria: CeGaT Center For Human Genetics Tuebingen Variant Classification Criteria Version 2. Collection method: clinical testing. Allele origin: germline. Affected: yes. Observed: 1 variant allele.
Comment: KMT2C: PM2:Supporting, BP4, BP7